The following is an entry in ClinVar:

NM_005565.5(LCP2):c.983C>T (p.Pro328Leu)

Gene: LCP2 (lymphocyte cytosolic protein 2; minus strand). Cytogenetic location: 5q35.1.
Variant type: single nucleotide variant.
Coding change: c.983C>T on transcript NM_005565.5 (MANE Select); coding-DNA position 983, C replaced by T.
Protein change: p.Pro328Leu; replaces proline 328 with leucine.
Molecular consequence: missense variant.
Genome position (GRCh38, 1-based): chr5:170,258,154, G>A on the plus strand (C>T on the coding strand, the complement: LCP2 is on the minus strand). VCF-style: chr5-170258154-G-A. GRCh37 (hg19) VCF-style: chr5-169685158-G-A.
Other names: p.Pro328Leu; short protein forms P328L.
Identifiers: ClinVar variation 3118167 (VCV003118167.2), dbSNP rs766913071, ClinGen allele CA3555450.
Genomic context (GRCh38, chr5:170,258,154, plus strand): 5'-TTAGTAGATCTTGAAGGGAAAGTGTTGGAGCTCATAGGAAGTAGTGCTGGCTGGGGCAAA[G>A]GTCTCTGATGCACTGTGCAGAAGTAGAAAACAATGAATGAGATTGGCAGGCCCCAGCTGT-3'
Protein context (NP_005556.1, residues 318-338): ENDEDDVHQR[Pro328Leu]LPQPALLPMS

ClinVar aggregate classification (germline): Uncertain significance. Review status: criteria provided, multiple submitters, no conflicts (2 of 4 stars). 2 submissions from 2 submitters: Uncertain significance (2). Last evaluated 2024-01-02.

Allele frequency attached by ClinVar (database versions not stated): ExAC 0.00001; gnomAD 0.00002; gnomAD exomes 0.00002; TOPMed 0.00003.
gnomAD v4.1: 38 of 1,613,830 alleles (0.0024%); highest among the groups gnomAD compares: Non-Finnish European, 0.0031%; no homozygotes.

Submissions (2):

Mayo Clinic Laboratories, Mayo Clinic
Classification: Uncertain significance. Last evaluated: 2024-01-02. Review status: criteria provided, single submitter. Criteria: ACMG Guidelines, 2015. Collection method: clinical testing. Allele origin: germline. Observed: 1 variant allele.
Comment: BP4

Ambry Genetics
Classification: Uncertain significance. Last evaluated: 2023-12-20. Review status: criteria provided, single submitter. Criteria: Ambry Variant Classification Scheme 2023. Collection method: clinical testing. Allele origin: germline.